The following is an entry in ClinVar:

NM_001009944.3(PKD1):c.8997C>G (p.Phe2999Leu)

Gene: PKD1 (polycystin 1, transient receptor potential channel interacting; minus strand). Cytogenetic location: 16p13.3.
Variant type: single nucleotide variant.
Coding change: c.8997C>G on transcript NM_001009944.3 (MANE Select); coding-DNA position 8997, C replaced by G.
Protein change: p.Phe2999Leu; replaces phenylalanine 2999 with leucine.
Molecular consequence: missense variant.
Genome position (GRCh38, 1-based): chr16:2,102,585, G>C on the plus strand (C>G on the coding strand, the complement: PKD1 is on the minus strand). VCF-style: chr16-2102585-G-C. GRCh37 (hg19) VCF-style: chr16-2152586-G-C.
Other names: c.8997C>G, p.Phe2999Leu (NM_000296.4); short protein forms F2999L.
Identifiers: ClinVar variation 3899277 (VCV003899277.4).

ClinVar aggregate classification (germline): Uncertain significance. Review status: criteria provided, multiple submitters, no conflicts (2 of 4 stars). 3 submissions from 3 submitters: Uncertain significance (3). Last evaluated 2025-02-12.

Conditions:
Polycystic kidney disease, adult type (PKD1). Also called: Polycystic Kidney Disease 1, Autosomal Dominant; Polycystic kidney disease 1; Polycystic kidney disease 1, severe; POLYCYSTIC KIDNEY DISEASE 1 WITH OR WITHOUT POLYCYSTIC LIVER DISEASE; POLYCYSTIC KIDNEY DISEASE, ADULT, TYPE I; Polycystic Kidney, Autosomal Dominant. Identifiers: MedGen C3149841, MONDO:0008263, OMIM 173900.

gnomAD v4.1: 1 of 1,611,168 alleles (0.000062%); highest among the groups gnomAD compares: South Asian, 0.0011%; no homozygotes.

Submissions (3):

Department of Clinical Genetics, Copenhagen University Hospital, Rigshospitalet
Classification: Uncertain significance for Polycystic kidney disease, adult type. Last evaluated: 2025-02-12. Review status: criteria provided, single submitter. Criteria: ACMG Guidelines, 2015. Collection method: clinical testing. Allele origin: germline.
Comment: PM2_Sup, PP4_Sup

Blueprint Genetics
Classification: Uncertain significance. Last evaluated: 2022-02-07. Review status: criteria provided, single submitter. Criteria: ACMG Guidelines, 2015. Collection method: clinical testing. Allele origin: germline.

Juno Genomics, Hangzhou Juno Genomics, Inc
Classification: Uncertain significance for Polycystic kidney disease, adult type. Review status: criteria provided, single submitter. Criteria: ACMG Guidelines, 2015. Collection method: clinical testing. Allele origin: germline.
Comment: Absent from controls (or at extremely low frequency if recessive) in Genome Aggregation Database.;Multiple lines of computational evidence suggest no impact on gene or gene product.;Patient's phenotype or family history is highly specific for a disease with a single genetic etiology.